The following is an entry in ClinVar:

ClinVar aggregate classification (germline): Pathogenic/Likely pathogenic. Review status: criteria provided, multiple submitters, no conflicts (2 of 4 stars). 4 submissions from 4 submitters: Pathogenic (3); Likely pathogenic (1). Last evaluated 2024-11-18.

Conditions:
Thyroid dyshormonogenesis 6 (TDH6). Also called: Genetic transient congenital hypothyroidism; THYROID HORMONOGENESIS, GENETIC DEFECT IN, 6; HYPOTHYROIDISM, CONGENITAL, DUE TO DYSHORMONOGENESIS, 6. Identifiers: Orphanet 226316, Orphanet 95716, MedGen C1846632, MONDO:0011792, OMIM 607200.

Allele frequency attached by ClinVar (database versions not stated): gnomAD exomes below 0.00001; gnomAD 0.00002; TOPMed 0.00002.
gnomAD v4.1: 10 of 1,577,354 alleles (0.00063%); highest among the groups gnomAD compares: East Asian, 0.018%; no homozygotes.

Submissions (4):

Labcorp Genetics (formerly Invitae), Labcorp
Classification: Pathogenic. Last evaluated: 2024-11-18. Review status: criteria provided, single submitter. Criteria: Invitae Variant Classification Sherloc (09022015). Collection method: clinical testing. Allele origin: germline.
Comment: This sequence change creates a premature translational stop signal (p.Gln570*) in the DUOX2 gene. It is expected to result in an absent or disrupted protein product. Loss-of-function variants in DUOX2 are known to be pathogenic (PMID: 12110737, 18765513, 21565790, 24423310, 24735383). This variant is present in population databases (no rsID available, gnomAD 0.03%). This premature translational stop signal has been observed in individual(s) with congenital hypothyroidism (PMID: 32425884, 33490161). ClinVar contains an entry for this variant (Variation ID: 2689071). Algorithms developed to predict the effect of sequence changes on RNA splicing suggest that this variant may disrupt the consensus splice site. For these reasons, this variant has been classified as Pathogenic.

Fulgent Genetics
Classification: Likely pathogenic for Thyroid dyshormonogenesis 6. Last evaluated: 2024-02-14. Review status: criteria provided, single submitter. Criteria: ACMG Guidelines, 2015. Collection method: clinical testing. Allele origin: germline.

Revvity Omics, Revvity
Classification: Pathogenic for Thyroid dyshormonogenesis 6. Last evaluated: 2023-06-23. Review status: criteria provided, single submitter. Criteria: ACMG Guidelines, 2015. Collection method: clinical testing. Allele origin: germline.

Juno Genomics, Hangzhou Juno Genomics, Inc
Classification: Pathogenic for Thyroid dyshormonogenesis 6. Review status: criteria provided, single submitter. Criteria: ACMG Guidelines, 2015. Collection method: clinical testing. Allele origin: germline.
Comment: Absent from controls (or at extremely low frequency if recessive) in Genome Aggregation Database.;Null variant in a gene where loss of function (LOF) is a known mechanism of disease.;For recessive disorders, detected in trans with a pathogenic variant.;Co-segregation with disease in multiple affected family members.;Patient's phenotype or family history is highly specific for a disease with a single genetic etiology.

Literature cited by the submitters: PubMed 12110737 (cited by Labcorp Genetics (formerly Invitae), Labcorp); PubMed 18765513 (cited by Labcorp Genetics (formerly Invitae), Labcorp); PubMed 21565790 (cited by Labcorp Genetics (formerly Invitae), Labcorp); PubMed 24423310 (cited by Labcorp Genetics (formerly Invitae), Labcorp); PubMed 24735383 (cited by Labcorp Genetics (formerly Invitae), Labcorp); PubMed 32425884 (cited by Labcorp Genetics (formerly Invitae), Labcorp); PubMed 33490161 (cited by Labcorp Genetics (formerly Invitae), Labcorp).

NM_001363711.2(DUOX2):c.1708C>T (p.Gln570Ter)

Gene: DUOX2 (dual oxidase 2; minus strand). Cytogenetic location: 15q21.1.
Variant type: single nucleotide variant.
Coding change: c.1708C>T on transcript NM_001363711.2 (MANE Select); coding-DNA position 1708, C replaced by T.
Protein change: p.Gln570Ter; replaces glutamine 570 with a stop codon.
Molecular consequence: nonsense.
Genome position (GRCh38, 1-based): chr15:45,106,955, G>A on the plus strand (C>T on the coding strand, the complement: DUOX2 is on the minus strand). VCF-style: chr15-45106955-G-A. GRCh37 (hg19) VCF-style: chr15-45399153-G-A.
Other names: c.1708C>T, p.Gln570Ter (NM_014080.5); short protein forms Q570*.
Identifiers: ClinVar variation 2689071 (VCV002689071.10), dbSNP rs1332668133, ClinGen allele CA392274433.
Genomic context (GRCh38, chr15:45,106,955, plus strand): 5'-AGTCAAGCACAGTCAGGGGTGCACACTGGGGCAGGCCGTCAGTTGTGAGCTGCTTAGGTT[G>A]AGGGCAGGGTGCACCTGAGGGAGAGGGCAGGGAAGACCTCAAAGTCTGAGGATCCCGCTA-3'